The following is an entry in ClinVar:

NM_000532.5(PCCB):c.707A>G (p.Asn236Ser)

Gene: PCCB (propionyl-CoA carboxylase subunit beta; plus strand). Cytogenetic location: 3q22.3.
Variant type: single nucleotide variant.
Coding change: c.707A>G on transcript NM_000532.5 (MANE Select); coding-DNA position 707, A replaced by G.
Protein change: p.Asn236Ser; replaces asparagine 236 with serine.
Molecular consequence: missense variant.
Genome position (GRCh38, 1-based): chr3:136,293,808, A>G. VCF-style: chr3-136293808-A-G. GRCh37 (hg19) VCF-style: chr3-136012650-A-G.
Other names: c.767A>G, p.Asn256Ser (NM_001178014.2); short protein forms N236S, N256S.
Identifiers: ClinVar variation 343469 (VCV000343469.9), dbSNP rs778955184, ClinGen allele CA2631831.

ClinVar aggregate classification (germline): Uncertain significance. Review status: criteria provided, multiple submitters, no conflicts (2 of 4 stars). 4 submissions from 4 submitters: Uncertain significance (4). Last evaluated 2022-08-15.

Conditions:
Inborn genetic diseases. Identifiers: MedGen C0950123, MeSH D030342.
Propionic acidemia (PROP). Also called: GLYCINEMIA, KETOTIC; HYPERGLYCINEMIA WITH KETOACIDOSIS AND LEUKOPENIA; KETOTIC HYPERGLYCINEMIA. Identifiers: Orphanet 35, MedGen C0268579, MONDO:0011628, OMIM 606054, HP:0003571.

Allele frequency attached by ClinVar (database versions not stated): gnomAD exomes 0.00003 and 0.00011; TOPMed 0.00004; gnomAD 0.00005; ExAC 0.00008.
gnomAD v4.1: 58 of 1,613,562 alleles (0.0036%); highest among the groups gnomAD compares: East Asian, 0.085%; no homozygotes.

Submissions (4):

Labcorp Genetics (formerly Invitae), Labcorp
Classification: Uncertain significance for Propionic acidemia. Last evaluated: 2022-08-15. Review status: criteria provided, single submitter. Criteria: Invitae Variant Classification Sherloc (09022015). Collection method: clinical testing. Allele origin: germline.
Comment: This sequence change replaces asparagine, which is neutral and polar, with serine, which is neutral and polar, at codon 236 of the PCCB protein (p.Asn236Ser). This variant is present in population databases (rs778955184, gnomAD 0.1%). This variant has not been reported in the literature in individuals affected with PCCB-related conditions. ClinVar contains an entry for this variant (Variation ID: 343469). Algorithms developed to predict the effect of missense changes on protein structure and function are either unavailable or do not agree on the potential impact of this missense change (SIFT: "Deleterious"; PolyPhen-2: "Benign"; Align-GVGD: "Class C45"). Algorithms developed to predict the effect of sequence changes on RNA splicing suggest that this variant may create or strengthen a splice site. In summary, the available evidence is currently insufficient to determine the role of this variant in disease. Therefore, it has been classified as a Variant of Uncertain Significance.

Ambry Genetics
Classification: Uncertain significance for Inborn genetic diseases. Last evaluated: 2021-07-09. Review status: criteria provided, single submitter. Criteria: Ambry Variant Classification Scheme 2023. Collection method: clinical testing. Allele origin: germline.

Illumina Laboratory Services, Illumina
Classification: Uncertain significance for Propionic acidemia. Last evaluated: 2018-01-13. Review status: criteria provided, single submitter. Criteria: ICSL Variant Classification Criteria 13 December 2019. Collection method: clinical testing. Allele origin: germline.

Juno Genomics, Hangzhou Juno Genomics, Inc
Classification: Uncertain significance for Propionic acidemia. Review status: criteria provided, single submitter. Criteria: ACMG Guidelines, 2015. Collection method: clinical testing. Allele origin: germline.
Comment: Absent from controls (or at extremely low frequency if recessive) in Genome Aggregation Database.;Multiple lines of computational evidence support a deleterious effect on the gene or gene product.